The following is an entry in ClinVar:

NM_015627.3(LDLRAP1):c.138G>T (p.Met46Ile)

Gene: LDLRAP1 (low density lipoprotein receptor adaptor protein 1; plus strand). Cytogenetic location: 1p36.11.
Variant type: single nucleotide variant.
Coding change: c.138G>T on transcript NM_015627.3 (MANE Select); coding-DNA position 138, G replaced by T.
Protein change: p.Met46Ile; replaces methionine 46 with isoleucine.
Molecular consequence: missense variant.
Genome position (GRCh38, 1-based): chr1:25,553,971, G>T. VCF-style: chr1-25553971-G-T. GRCh37 (hg19) VCF-style: chr1-25880462-G-T.
Other names: short protein forms M46I.
Identifiers: ClinVar variation 2693160 (VCV002693160.3), dbSNP rs1320650194, ClinGen allele CA339077683.
Genomic context (GRCh38, chr1:25,553,971, plus strand): 5'-TGCTACCCCAGAGCTGCCTGAGAACTGGACAGACACGCGGGAGACGCTGCTGGAGGGGAT[G>T]CTGTTCAGCCTCAAGTACCTGGGCATGACGCTAGTGGAGCAGCCCAAGGGTGAGGAGCTG-3'
Protein context (NP_056442.2, residues 36-56): TDTRETLLEG[Met46Ile]LFSLKYLGMT

ClinVar aggregate classification (germline): Uncertain significance (1 of 4 stars; one submission).

Conditions:
Hypercholesterolemia, familial, 4 (FHCL4). Also called: HYPERCHOLESTEROLEMIA, AUTOSOMAL RECESSIVE, 1; HYPERCHOLESTEROLEMIA, AUTOSOMAL RECESSIVE, 2. Identifiers: Orphanet 391665, MedGen C1863512, MONDO:0011374, OMIM 603813.

Allele frequency attached by ClinVar (database versions not stated): gnomAD exomes 0.00001.
gnomAD v4.1: 7 of 1,614,078 alleles (0.00043%); highest among the groups gnomAD compares: Non-Finnish European, 0.00059%; no homozygotes.

Submission:

Labcorp Genetics (formerly Invitae), Labcorp
Classification: Uncertain significance for Hypercholesterolemia, familial, 4. Last evaluated: 2023-11-07. Review status: criteria provided, single submitter. Criteria: Invitae Variant Classification Sherloc (09022015). Collection method: clinical testing. Allele origin: germline.
Comment: This sequence change replaces methionine, which is neutral and non-polar, with isoleucine, which is neutral and non-polar, at codon 46 of the LDLRAP1 protein (p.Met46Ile). This variant is present in population databases (no rsID available, gnomAD 0.0009%). This variant has not been reported in the literature in individuals affected with LDLRAP1-related conditions. Advanced modeling of protein sequence and biophysical properties (such as structural, functional, and spatial information, amino acid conservation, physicochemical variation, residue mobility, and thermodynamic stability) performed at Invitae indicates that this missense variant is not expected to disrupt LDLRAP1 protein function with a negative predictive value of 80%. In summary, the available evidence is currently insufficient to determine the role of this variant in disease. Therefore, it has been classified as a Variant of Uncertain Significance.